The following is an entry in ClinVar:

NM_006185.4(NUMA1):c.3405A>C (p.Gln1135His)

Gene: NUMA1 (nuclear mitotic apparatus protein 1; minus strand). Cytogenetic location: 11q13.4.
Variant type: single nucleotide variant.
Coding change: c.3405A>C on transcript NM_006185.4 (MANE Select); coding-DNA position 3405, A replaced by C.
Protein change: p.Gln1135His; replaces glutamine 1135 with histidine.
Molecular consequence: missense variant.
Genome position (GRCh38, 1-based): chr11:72,014,098, T>G on the plus strand (A>C on the coding strand, the complement: NUMA1 is on the minus strand). VCF-style: chr11-72014098-T-G. GRCh37 (hg19) VCF-style: chr11-71725144-T-G.
Other names: c.3405A>C, p.Gln1135His (NM_001286561.2); short protein forms Q1135H.
Identifiers: ClinVar variation 2642110 (VCV002642110.24), dbSNP rs79170800, ClinGen allele CA6167289.

ClinVar aggregate classification (germline): Benign (1 of 4 stars; one submission).

Allele frequency attached by ClinVar (database versions not stated): 1000 Genomes Project 0.00120; 1000 Genomes Project 30x 0.00125; ESP Exome Variant Server 0.00246; ExAC 0.00325.
gnomAD v4.1: 4,329 of 1,611,362 alleles (0.27%); highest among the groups gnomAD compares: South Asian, 0.4%; 12 homozygotes.

Submission:

CeGaT Center for Human Genetics Tuebingen
Classification: Benign. Last evaluated: 2023-04-01. Review status: criteria provided, single submitter. Criteria: CeGaT Center For Human Genetics Tuebingen Variant Classification Criteria Version 2. Collection method: clinical testing. Allele origin: germline. Affected: yes. Observed: 3 variant alleles.
Comment: NUMA1: BP4, BS1, BS2